The following is an entry in ClinVar:

NM_001128178.3(NPHP1):c.1943C>T (p.Ala648Val)

Gene: NPHP1 (nephrocystin 1; minus strand). Cytogenetic location: 2q13.
Variant type: single nucleotide variant.
Coding change: c.1943C>T on transcript NM_001128178.3 (MANE Select); coding-DNA position 1943, C replaced by T.
Protein change: p.Ala648Val; replaces alanine 648 with valine.
Molecular consequence: missense variant. On other transcripts: 3 prime UTR variant (1).
Genome position (GRCh38, 1-based): chr2:110,123,882, G>A on the plus strand (C>T on the coding strand, the complement: NPHP1 is on the minus strand). VCF-style: chr2-110123882-G-A. GRCh37 (hg19) VCF-style: chr2-110881459-G-A.
Other names: c.2111C>T, p.Ala704Val (NM_000272.5); c.1754C>T, p.Ala585Val (NM_001128179.3); c.1940C>T, p.Ala647Val (NM_001374256.1); c.*185C>T (NM_001374257.1); c.2108C>T, p.Ala703Val (NM_207181.4); short protein forms A585V, A647V, A648V, A703V, A704V.
Identifiers: ClinVar variation 2506582 (VCV002506582.2), dbSNP rs779089046, ClinGen allele CA348085990.

ClinVar aggregate classification (germline): Uncertain significance (1 of 4 stars; one submission).

Conditions:
Joubert syndrome with renal defect. Also called: JOUBERT SYNDROME 4. Identifiers: Orphanet 220497, MedGen C1846790, MONDO:0012308, OMIM 609583.

Submission:

Center for Human Genetics and Genomic Medicine, Uniklinik Rwth Aachen
Classification: Uncertain significance for Joubert syndrome with renal defect. Last evaluated: 2023-06-14. Review status: criteria provided, single submitter. Criteria: ACMG Guidelines, 2015. Collection method: clinical testing. Allele origin: unknown. Inheritance: Autosomal recessive inheritance. Affected: no. Observed: 1 heterozygote.
Comment: The detected change is not reported in the general population (gnomAD) (as of June 14, 2023). The variant is not described in the ClinVar database or in the literature. Bioinformatic prediction programs classify the change as rather benign (CADDphred 12.84). Based on the current state of knowledge, the variant is formally classified as a “variant of uncertain clinical significance” (ACMG criteria).